The following is an entry in ClinVar:

NM_000742.4(CHRNA2):c.1568C>G (p.Pro523Arg)

Gene: CHRNA2 (cholinergic receptor nicotinic alpha 2 subunit; minus strand). Cytogenetic location: 8p21.2.
Variant type: single nucleotide variant.
Coding change: c.1568C>G on transcript NM_000742.4 (MANE Select); coding-DNA position 1568, C replaced by G.
Protein change: p.Pro523Arg; replaces proline 523 with arginine.
Molecular consequence: missense variant.
Genome position (GRCh38, 1-based): chr8:27,461,651, G>C on the plus strand (C>G on the coding strand, the complement: CHRNA2 is on the minus strand). VCF-style: chr8-27461651-G-C. GRCh37 (hg19) VCF-style: chr8-27319168-G-C.
Other names: c.1523C>G, p.Pro508Arg (NM_001282455.2); c.1091C>G, p.Pro364Arg (NM_001347705.2, NM_001347706.2); c.974C>G, p.Pro325Arg (NM_001347707.2, NM_001347708.2); short protein forms P523R, P325R, P364R, P508R.
Identifiers: ClinVar variation 2769790 (VCV002769790.3), dbSNP rs145238683, ClinGen allele CA370806701.

ClinVar aggregate classification (germline): Uncertain significance (1 of 4 stars; one submission).

Conditions:
Familial sleep-related hypermotor epilepsy. Also called: Autosomal Dominant Sleep-Related Hypermotor (Hyperkinetic) Epilepsy. Identifiers: Orphanet 98784, MedGen C3696898, MONDO:0000030.

gnomAD v4.1: 1 of 1,614,242 alleles (0.000062%); no homozygotes.

Submission:

Labcorp Genetics (formerly Invitae), Labcorp
Classification: Uncertain significance. Last evaluated: 2023-10-18. Review status: criteria provided, single submitter. Criteria: Invitae Variant Classification Sherloc (09022015). Collection method: clinical testing. Allele origin: germline.
Comment: This sequence change replaces proline, which is neutral and non-polar, with arginine, which is basic and polar, at codon 523 of the CHRNA2 protein (p.Pro523Arg). This variant is not present in population databases (gnomAD no frequency). This variant has not been reported in the literature in individuals affected with CHRNA2-related conditions. Advanced modeling of protein sequence and biophysical properties (such as structural, functional, and spatial information, amino acid conservation, physicochemical variation, residue mobility, and thermodynamic stability) performed at Invitae indicates that this missense variant is not expected to disrupt CHRNA2 protein function. In summary, the available evidence is currently insufficient to determine the role of this variant in disease. Therefore, it has been classified as a Variant of Uncertain Significance.